The following is an entry in ClinVar:

ClinVar aggregate classification (germline): Pathogenic (0 of 4 stars; one submission).

Conditions:
von Willebrand disease type 3 (VWD3). Also called: Type 3 Von Willebrand's disease; Type 3 VWD; Von Willebrand disease, severe form; V WD3; VON WILLEBRAND DISEASE, TYPE III. Identifiers: Orphanet 166096, MedGen C1264041, MONDO:0010191, OMIM 277480.

Submission:

Angelo Bianchi Bonomi Hemophilia and Thrombosis Center, Fondazione IRCCS Ca Granda Ospedale Maggiore Policlinico
Classification: Pathogenic for von Willebrand disease type 3. Last evaluated: 2021-04-12. Review status: no assertion criteria provided. Collection method: clinical testing. Allele origin: germline. Affected: yes. Study: Type 3 Von Willebrand International Registries Inhibitor Prospective Study (3WINTERS-IPS).
Comment: CNV Interpretation Scoring Rubric: Copy Number LOSS

Literature cited by the submitters: PubMed 23407766.

NC_000012.11:g.(6161950_6166021)_(6167211_6172119)del

Gene: VWF (von Willebrand factor; minus strand). Cytogenetic location: 12p13.31.
Variant type: Deletion.
Identifiers: ClinVar variation 1065233 (VCV001065233.3).